The following is an entry in ClinVar:

ClinVar aggregate classification (germline): Uncertain significance. Review status: criteria provided, multiple submitters, no conflicts (2 of 4 stars). 3 submissions from 3 submitters: Uncertain significance (3). Last evaluated 2023-04-11.

Conditions:
Inborn genetic diseases. Identifiers: MedGen C0950123, MeSH D030342.
Glycogen storage disease type III (GSD3). Also called: FORBES DISEASE; Cori disease. Identifiers: Orphanet 366, MedGen C0017922, MONDO:0009291, OMIM 232400.

Allele frequency attached by ClinVar (database versions not stated): gnomAD exomes below 0.00001; ExAC 0.00001; gnomAD 0.00001 and 0.00002; TOPMed 0.00002.
gnomAD v4.1: 4 of 1,613,902 alleles (0.00025%); highest among the groups gnomAD compares: African/African-American, 0.0053%; no homozygotes.

Submissions (3):

Genome-Nilou Lab
Classification: Uncertain significance for Glycogen storage disease type III. Last evaluated: 2023-04-11. Review status: criteria provided, single submitter. Criteria: ACMG Guidelines, 2015. Collection method: clinical testing. Allele origin: germline. Affected: no.

Labcorp Genetics (formerly Invitae), Labcorp
Classification: Uncertain significance for Glycogen storage disease type III. Last evaluated: 2022-07-19. Review status: criteria provided, single submitter. Criteria: Invitae Variant Classification Sherloc (09022015). Collection method: clinical testing. Allele origin: germline.
Comment: In summary, the available evidence is currently insufficient to determine the role of this variant in disease. Therefore, it has been classified as a Variant of Uncertain Significance. Algorithms developed to predict the effect of sequence changes on RNA splicing suggest that this variant may create or strengthen a splice site. Algorithms developed to predict the effect of missense changes on protein structure and function (SIFT, PolyPhen-2, Align-GVGD) all suggest that this variant is likely to be tolerated. ClinVar contains an entry for this variant (Variation ID: 644418). This variant has not been reported in the literature in individuals affected with AGL-related conditions. This variant is present in population databases (rs747879201, gnomAD 0.008%). This sequence change replaces alanine, which is neutral and non-polar, with valine, which is neutral and non-polar, at codon 396 of the AGL protein (p.Ala396Val).

Ambry Genetics
Classification: Uncertain significance for Inborn genetic diseases. Last evaluated: 2022-01-31. Review status: criteria provided, single submitter. Criteria: Ambry Variant Classification Scheme 2023. Collection method: clinical testing. Allele origin: germline.

NM_000642.3(AGL):c.1187C>T (p.Ala396Val)

Gene: AGL (amylo-alpha-1,6-glucosidase and 4-alpha-glucanotransferase; plus strand). Cytogenetic location: 1p21.2.
Variant type: single nucleotide variant.
Coding change: c.1187C>T on transcript NM_000642.3 (MANE Select); coding-DNA position 1187, C replaced by T.
Protein change: p.Ala396Val; replaces alanine 396 with valine.
Molecular consequence: missense variant.
Genome position (GRCh38, 1-based): chr1:99,875,359, C>T. VCF-style: chr1-99875359-C-T. GRCh37 (hg19) VCF-style: chr1-100340915-C-T.
Other names: c.1187C>T, p.Ala396Val (NM_000028.3, NM_000643.3, NM_000644.3 and 2 more transcripts); c.1139C>T, p.Ala380Val (NM_000646.3); c.983C>T, p.Ala328Val (NM_001425328.1, NM_001425329.1); c.809C>T, p.Ala270Val (NM_001425332.1); short protein forms A396V, A380V, A270V, A328V.
Identifiers: ClinVar variation 644418 (VCV000644418.8), dbSNP rs747879201, ClinGen allele CA966426.